The following is an entry in ClinVar:

NM_000059.4(BRCA2):c.1271C>G (p.Ser424Ter)

Gene: BRCA2 (BRCA2 DNA repair associated; plus strand). Cytogenetic location: 13q13.1.
Variant type: single nucleotide variant.
Coding change: c.1271C>G on transcript NM_000059.4 (MANE Select); coding-DNA position 1271, C replaced by G.
Protein change: p.Ser424Ter; replaces serine 424 with a stop codon.
Molecular consequence: nonsense.
Genome position (GRCh38, 1-based): chr13:32,332,749, C>G. VCF-style: chr13-32332749-C-G. GRCh37 (hg19) VCF-style: chr13-32906886-C-G.
Other names: short protein forms S424*.
Identifiers: ClinVar variation 854886 (VCV000854886.9), dbSNP rs1566223138, ClinGen allele CA387762381.

ClinVar aggregate classification (germline): Pathogenic. Review status: criteria provided, multiple submitters, no conflicts (2 of 4 stars). 2 submissions from 2 submitters: Pathogenic (2). Last evaluated 2026-05-14.

Conditions:
Hereditary cancer-predisposing syndrome. Also called: Tumor predisposition; Neoplastic Syndromes, Hereditary; Hereditary neoplastic syndrome; Hereditary Cancer Syndrome. Identifiers: Orphanet 140162, MedGen C0027672, MeSH D009386, MONDO:0015356.
Hereditary breast ovarian cancer syndrome. Also called: Hereditary breast and ovarian cancer; Hereditary breast and ovarian cancer syndrome (HBOC); Hereditary breast and/or ovarian cancer syndrome; Breast and ovarian cancer; BRCA1- and BRCA2-Associated Hereditary Breast and Ovarian Cancer; Hereditary breast and ovarian cancer syndrome. Identifiers: Orphanet 145, MedGen C0677776, MeSH D061325, MONDO:0003582. Disease mechanism: loss of function.

Submissions (2):

Ambry Genetics
Classification: Pathogenic for Hereditary cancer-predisposing syndrome. Last evaluated: 2026-05-14. Review status: criteria provided, single submitter. Criteria: Ambry Variant Classification Scheme 2023. Collection method: clinical testing. Allele origin: germline.
Comment: The p.S424* pathogenic mutation (also known as c.1271C>G), located in coding exon 9 of the BRCA2 gene, results from a C to G substitution at nucleotide position 1271. This changes the amino acid from a serine to a stop codon within coding exon 9. This variant is considered to be rare based on population cohorts in the Genome Aggregation Database (gnomAD). This alteration is expected to result in loss of function by premature protein truncation or nonsense-mediated mRNA decay. As such, this alteration is interpreted as a disease-causing mutation.

Labcorp Genetics (formerly Invitae), Labcorp
Classification: Pathogenic for Hereditary breast ovarian cancer syndrome. Last evaluated: 2024-12-12. Review status: criteria provided, single submitter. Criteria: Invitae Variant Classification Sherloc (09022015). Collection method: clinical testing. Allele origin: germline.
Comment: This sequence change creates a premature translational stop signal (p.Ser424*) in the BRCA2 gene. It is expected to result in an absent or disrupted protein product. Loss-of-function variants in BRCA2 are known to be pathogenic (PMID: 20104584). This variant is not present in population databases (gnomAD no frequency). This variant has not been reported in the literature in individuals affected with BRCA2-related conditions. ClinVar contains an entry for this variant (Variation ID: 854886). For these reasons, this variant has been classified as Pathogenic.

Literature cited by the submitters: PubMed 20104584 (cited by Labcorp Genetics (formerly Invitae), Labcorp).